The following is an entry in ClinVar:

ClinVar aggregate classification (germline): Pathogenic/Likely pathogenic. Review status: criteria provided, multiple submitters, no conflicts (2 of 4 stars). 22 submissions from 22 submitters: Pathogenic (14); Likely pathogenic (7). 1 of the submissions does not count toward it. Last evaluated 2026-07-01.

Conditions:
Cerebral arteriopathy, autosomal dominant, with subcortical infarcts and leukoencephalopathy, type 1 (CADASIL1). Also called: CADASIL 1; CASIL; DEMENTIA, HEREDITARY MULTIINFARCT TYPE; Cerebral arteriopathy with subcortical infarcts and leukoencephalopathy 1. Identifiers: Orphanet 136, MedGen C4551768, MONDO:0000914, OMIM 125310.
Myofibromatosis, infantile, 2. Identifiers: Orphanet 2591, MedGen C3809084, MONDO:0014122, OMIM 615293.
Lateral meningocele syndrome (LMNS). Also called: NOTCH3-Related Lateral Meningocele Syndrome. Identifiers: Orphanet 2789, MedGen C1851710, MONDO:0007537, OMIM 130720.
Cerebral arteriopathy with subcortical infarcts and leukoencephalopathy. Also called: Cerebral autosomal dominant arteriopathy with subcortical infarcts and leukoencephalopathy. Identifiers: MedGen C0751587, MONDO:0007432.
Cerebral arteriopathy, autosomal recessive, with subcortical infarcts and leukoencephalopathy 1. Identifiers: MedGen C6065897, MONDO:0979867, OMIM 621295.
Familial partial lipodystrophy, Kobberling type. Also called: Familial partial lipodystrophy 1. Identifiers: Orphanet 79084, MedGen C1720859, MONDO:0012072, OMIM 608600.
NOTCH3-related disorder. Also called: NOTCH3-related disorders; NOTCH3-related condition.

Allele frequency attached by ClinVar (database versions not stated): TOPMed 0.00010; ExAC 0.00027; 1000 Genomes Project 0.00020; gnomAD 0.00010; 1000 Genomes Project 30x 0.00016.
gnomAD v4.1: 96 of 1,613,780 alleles (0.0059%); highest among the groups gnomAD compares: East Asian, 0.14%; no homozygotes.

Submissions 1 to 11 of 22:

CeGaT Center for Human Genetics Tuebingen
Classification: Pathogenic. Last evaluated: 2026-07-01. Review status: criteria provided, single submitter. Criteria: CeGaT Center For Human Genetics Tuebingen Variant Classification Criteria Version 2. Collection method: clinical testing. Allele origin: germline. Affected: yes. Observed: 1 variant allele.
Comment: NOTCH3: PM1:Strong, PP1:Strong, PS4, PM2:Supporting, PP4

Labcorp Genetics (formerly Invitae), Labcorp
Classification: Pathogenic. Last evaluated: 2026-01-27. Review status: criteria provided, single submitter. Criteria: Invitae Variant Classification Sherloc (09022015). Collection method: clinical testing. Allele origin: germline.
Comment: This sequence change replaces arginine, which is basic and polar, with cysteine, which is neutral and slightly polar, at codon 544 of the NOTCH3 protein (p.Arg544Cys). This variant is present in population databases (rs201118034, gnomAD 0.4%). This missense change has been observed in individual(s) with autosomal dominant cerebral arteriopathy with subcortical infarcts and leukoencephalopathy (PMID: 16717210, 19242647, 26308724, 30906334, 31792094). It is commonly reported in individuals of East Asian ancestry (PMID: 19242647). ClinVar contains an entry for this variant (Variation ID: 546089). Invitae Evidence Modeling of protein sequence and biophysical properties (such as structural, functional, and spatial information, amino acid conservation, physicochemical variation, residue mobility, and thermodynamic stability) indicates that this missense variant is expected to disrupt NOTCH3 protein function with a positive predictive value of 95%. For these reasons, this variant has been classified as Pathogenic.

Medical and Scientific Branch, Hong Kong Genome Institute
Classification: Likely pathogenic for Cerebral arteriopathy, autosomal dominant, with subcortical infarcts and leukoencephalopathy, type 1. Last evaluated: 2026-01-26. Review status: criteria provided, single submitter. Criteria: ACMG Guidelines, 2015. Collection method: clinical testing. Allele origin: unknown. Affected: yes.

GeneDx
Classification: Pathogenic. Last evaluated: 2025-12-18. Review status: criteria provided, single submitter. Criteria: GeneDx Variant Classification Process June 2021. Collection method: clinical testing. Allele origin: germline. Affected: yes.
Comment: Segregates with disease in many affected individuals from several Asian families referred for genetic testing at GeneDx and in published literature, and is considered to be the result of a founder effect in this population (PMID: 26308724, 25692567, 23602593); Published functional studies demonstrate that the variant causes decreased signaling, protein stability, and ultimately cell survival (PMID: 41327223); In silico analysis suggests that this missense variant does not alter protein structure/function; This variant is associated with the following publications: (PMID: 24344756, 25095812, 21852154, 28549449, 32555735, 31515791, 23847153, 18207319, 24480794, 19252787, 23602593, 16580020, 17135568, 10371548, 26002683, 22133740, 24139282, 27844030, 25105908, 26671140, 28710804, 25692567, 25959358, 19242647, 30199759, 30656190, 31792094, 34335700, 31433517, 32410215, 32277177, 36047879, 35082744, 34741685, 35401403, 35781912, 37479695, 36892712, 36180846, 30476936, 37152446, 36261288, 36380532, 32929895, 34344799, 37526664, 35822697, 34881353, 40270244, 40604365, 38935968, 40343074, 38520151, 40607620, 41181281, 39916465, 41102916, 40854260, 39374470, 24844136, 40783530, 38941707, 37485895, 26308724, 41327223)

3billion
Classification: Pathogenic for Cerebral arteriopathy, autosomal dominant, with subcortical infarcts and leukoencephalopathy, type 1. Last evaluated: 2025-11-10. Review status: criteria provided, single submitter. Criteria: ACMG Guidelines, 2015. Collection method: clinical testing. Allele origin: germline. Affected: yes.
Comment: The variant is observed at an extremely low frequency in the gnomAD v4.1.0 dataset (total allele frequency: 0.006%). Predicted Consequence/Location: The variant is located in a mutational hot spot and/or well-established functional domain in which established pathogenic variants have been reported (PMID: 35822697). Missense variant. Missense changes are a common disease-causing mechanism. Damaging effect on gene or gene product predicted by in silico programs is uncertain [REVEL: 0.57 (damaging >=0.6, benign <0.4), 3Cnet: 0.29 (damaging >0.75, benign <0.1)]. The same nucleotide change resulting in the same amino acid change has been previously reported as pathogenic/likely pathogenic with strong evidence (ClinVar ID: VCV000546089 /PMID: 10371548, 16580020 /3billion dataset). The variant has been observed in multiple (>3) similarly affected unrelated individuals (PMID: 25692567, 26308724, 30906334, 31792094, 32277177). Therefore, this variant is classified as Pathogenic according to the recommendation of ACMG/AMP guideline.

NHS Central & South Genomic Laboratory Hub
Classification: Likely pathogenic for CADASIL. Last evaluated: 2025-10-21. Review status: criteria provided, single submitter. Criteria: ACMG Guidelines, 2015. Collection method: clinical testing. Allele origin: germline. Affected: yes.

Revvity Omics, Revvity
Classification: Likely pathogenic. Last evaluated: 2025-07-18. Review status: criteria provided, single submitter. Criteria: ACMG Guidelines, 2015. Collection method: clinical testing. Allele origin: germline.

Clinical Genetics Laboratory, Skane University Hospital Lund
Classification: Pathogenic for Cerebral arteriopathy, autosomal dominant, with subcortical infarcts and leukoencephalopathy, type 1. Last evaluated: 2025-06-03. Review status: criteria provided, single submitter. Criteria: ACMG Guidelines, 2015. Collection method: clinical testing. Allele origin: germline. Affected: yes.
Comment: PM1_strong, PP1 and PP4_strong

Mayo Clinic Laboratories, Mayo Clinic
Classification: Pathogenic. Last evaluated: 2025-03-07. Review status: criteria provided, single submitter. Criteria: ACMG Guidelines, 2015. Collection method: clinical testing. Allele origin: germline. Observed: 3 variant alleles.
Comment: PP1_strong, PP2, PP4, PM1, PS4

Athena Diagnostics
Classification: Pathogenic. Last evaluated: 2024-10-15. Review status: criteria provided, single submitter. Criteria: Athena Diagnostics Criteria. Collection method: clinical testing. Allele origin: unknown.
Comment: This variant is the most common variant associated with CADASIL in the East Asian population (PMID: 25692567, 26308724, 31792094), and is statistically more frequent in affected individuals than in the general population and/or healthy controls (Genome Aggregation Database (gnomAD), Cambridge, MA (URL)). Reports of this variant in asymptomatic individuals, as well as affected heterozygous and homozygous patients, suggests this variant may have reduced penetrance (PMID: 26308724, 30199759, 30656190, 31792094). This variant occurs as the most likely explanation for disease in a significant number of internal cases, suggesting this variant is associated with disease. Computational tools predict that this variant is damaging. Greater than 90% of NOTCH3 pathogenic variants associated with CADASIL involve the gain or loss of a cysteine residue within the epidermal growth factor (EGF)-like repeat domain (PMID: 32457593, 20301673).

Blueprint Genetics
Classification: Pathogenic for NOTCH3-related disorders. Last evaluated: 2024-10-08. Review status: criteria provided, single submitter. Criteria: ACMG Guidelines, 2015. Collection method: clinical testing. Allele origin: germline. Affected: yes. Observed: 5 variant alleles.

NM_000435.3(NOTCH3):c.1630C>T (p.Arg544Cys)

Gene: NOTCH3 (notch receptor 3; minus strand). Cytogenetic location: 19p13.12.
Variant type: single nucleotide variant.
Coding change: c.1630C>T on transcript NM_000435.3 (MANE Select); coding-DNA position 1630, C replaced by T.
Protein change: p.Arg544Cys; replaces arginine 544 with cysteine.
Molecular consequence: missense variant.
Genome position (GRCh38, 1-based): chr19:15,187,315, G>A on the plus strand (C>T on the coding strand, the complement: NOTCH3 is on the minus strand). VCF-style: chr19-15187315-G-A. GRCh37 (hg19) VCF-style: chr19-15298126-G-A.
Other names: Chinese founder variant; p.Arg544Cys; short protein forms R544C.
Identifiers: ClinVar variation 546089 (VCV000546089.48), dbSNP rs201118034, ClinGen allele CA9263595.